The following is an entry in ClinVar:

ClinVar aggregate classification (germline): Uncertain significance. Review status: criteria provided, multiple submitters, no conflicts (2 of 4 stars). 2 submissions from 2 submitters: Uncertain significance (2). Last evaluated 2026-03-12.

Conditions:
Hereditary cancer-predisposing syndrome. Also called: Hereditary Cancer Syndrome; Neoplastic Syndromes, Hereditary; Tumor predisposition; Hereditary neoplastic syndrome. Identifiers: Orphanet 140162, MedGen C0027672, MeSH D009386, MONDO:0015356.

Submissions (2):

Ambry Genetics
Classification: Uncertain significance for Hereditary cancer-predisposing syndrome. Last evaluated: 2026-03-12. Review status: criteria provided, single submitter. Criteria: Ambry Variant Classification Scheme 2023. Collection method: clinical testing. Allele origin: germline.
Comment: The p.L1119P variant (also known as c.3356T>C), located in coding exon 27 of the POLE gene, results from a T to C substitution at nucleotide position 3356. The leucine at codon 1119 is replaced by proline, an amino acid with similar properties. This amino acid position is conserved. In addition, the in silico prediction for this alteration is inconclusive. Based on the available evidence, the clinical significance of this variant remains unclear.

Labcorp Genetics (formerly Invitae), Labcorp
Classification: Uncertain significance. Last evaluated: 2026-01-18. Review status: criteria provided, single submitter. Criteria: Invitae Variant Classification Sherloc (09022015). Collection method: clinical testing. Allele origin: germline.
Comment: This sequence change replaces leucine, which is neutral and non-polar, with proline, which is neutral and non-polar, at codon 1119 of the POLE protein (p.Leu1119Pro). This variant is not present in population databases (gnomAD no frequency). This variant has not been reported in the literature in individuals affected with POLE-related conditions. ClinVar contains an entry for this variant (Variation ID: 3658526). An algorithm developed to predict the effect of missense changes on protein structure and function (PolyPhen-2) suggests that this variant is likely to be disruptive. In summary, the available evidence is currently insufficient to determine the role of this variant in disease. Therefore, it has been classified as a Variant of Uncertain Significance.

NM_006231.4(POLE):c.3356T>C (p.Leu1119Pro)

Gene: POLE (DNA polymerase epsilon, catalytic subunit; minus strand). Cytogenetic location: 12q24.33.
Variant type: single nucleotide variant.
Coding change: c.3356T>C on transcript NM_006231.4 (MANE Select); coding-DNA position 3356, T replaced by C.
Protein change: p.Leu1119Pro; replaces leucine 1119 with proline.
Molecular consequence: missense variant.
Genome position (GRCh38, 1-based): chr12:132,657,890, A>G on the plus strand (T>C on the coding strand, the complement: POLE is on the minus strand). VCF-style: chr12-132657890-A-G. GRCh37 (hg19) VCF-style: chr12-133234476-A-G.
Other names: c.3356T>C (NM_006231.2); short protein forms L1119P.
Identifiers: ClinVar variation 3658526 (VCV003658526.3).
Genomic context (GRCh38, chr12:132,657,890, plus strand): 5'-GTAAACTTTTAAGAGTAGAGAACGCAACTGGCACTCACTGCTCGAATATCAAAGTCTTGA[A>G]GGGAAGAGCTCTTGAGCCATTTCCGGAGAAAGTGCTTCCTCACCGTGGGCTCTGCTTGGA-3'
Protein context (NP_006222.2, residues 1109-1129): FLRKWLKSSS[Leu1119Pro]QDFDIRAILD